The following is an entry in ClinVar:

ClinVar aggregate classification (germline): Uncertain significance. Review status: criteria provided, multiple submitters, no conflicts (2 of 4 stars). 2 submissions from 2 submitters: Uncertain significance (2). Last evaluated 2023-03-20.

Conditions:
Inborn genetic diseases. Identifiers: MedGen C0950123, MeSH D030342.

Allele frequency attached by ClinVar (database versions not stated): gnomAD exomes below 0.00001; gnomAD 0.00001; TOPMed 0.00001.
gnomAD v4.1: 2 of 1,613,470 alleles (0.00012%); highest among the groups gnomAD compares: African/African-American, 0.0027%; no homozygotes.

Submissions (2):

Ambry Genetics
Classification: Uncertain significance for Inborn genetic diseases. Last evaluated: 2023-03-20. Review status: criteria provided, single submitter. Criteria: Ambry Variant Classification Scheme 2023. Collection method: clinical testing. Allele origin: germline.

Labcorp Genetics (formerly Invitae), Labcorp
Classification: Uncertain significance. Last evaluated: 2020-10-19. Review status: criteria provided, single submitter. Criteria: Invitae Variant Classification Sherloc (09022015). Collection method: clinical testing. Allele origin: germline.
Comment: In summary, the available evidence is currently insufficient to determine the role of this variant in disease. Therefore, it has been classified as a Variant of Uncertain Significance. Algorithms developed to predict the effect of missense changes on protein structure and function are either unavailable or do not agree on the potential impact of this missense change (SIFT: "Deleterious"; PolyPhen-2: "Probably Damaging"; Align-GVGD: "Class C0"). This variant has not been reported in the literature in individuals with C8B-related conditions. This variant is not present in population databases (ExAC no frequency). This sequence change replaces aspartic acid with alanine at codon 422 of the C8B protein (p.Asp422Ala). The aspartic acid residue is highly conserved and there is a moderate physicochemical difference between aspartic acid and alanine.

NM_000066.4(C8B):c.1265A>C (p.Asp422Ala)

Gene: C8B (complement C8 beta chain; minus strand). Cytogenetic location: 1p32.2.
Variant type: single nucleotide variant.
Coding change: c.1265A>C on transcript NM_000066.4 (MANE Select); coding-DNA position 1265, A replaced by C.
Protein change: p.Asp422Ala; replaces aspartic acid 422 with alanine.
Molecular consequence: missense variant.
Genome position (GRCh38, 1-based): chr1:56,940,982, T>G on the plus strand (A>C on the coding strand, the complement: C8B is on the minus strand). VCF-style: chr1-56940982-T-G. GRCh37 (hg19) VCF-style: chr1-57406655-T-G.
Other names: c.1109A>C, p.Asp370Ala (NM_001278543.2); c.1079A>C, p.Asp360Ala (NM_001278544.2); c.1265A>C (NM_000066.2); short protein forms D360A, D422A, D370A.
Identifiers: ClinVar variation 1036764 (VCV001036764.8), dbSNP rs1434285462, ClinGen allele CA340522887.